The following is an entry in ClinVar:

NM_001042492.3(NF1):c.3986C>A (p.Ser1329Ter)

Gene: NF1 (neurofibromin 1; plus strand). Cytogenetic location: 17q11.2.
Variant type: single nucleotide variant.
Coding change: c.3986C>A on transcript NM_001042492.3 (MANE Select); coding-DNA position 3986, C replaced by A.
Protein change: p.Ser1329Ter; replaces serine 1329 with a stop codon.
Molecular consequence: nonsense.
Genome position (GRCh38, 1-based): chr17:31,248,995, C>A. VCF-style: chr17-31248995-C-A. GRCh37 (hg19) VCF-style: chr17-29576013-C-A.
Other names: c.3986C>A, p.Ser1329Ter (NM_000267.4); short protein forms S1329*.
Identifiers: ClinVar variation 404521 (VCV000404521.5), dbSNP rs1060500319, ClinGen allele CA16615504.

ClinVar aggregate classification (germline): Pathogenic (1 of 4 stars; one submission).

Conditions:
Neurofibromatosis, type 1 (NF1). Also called: Neurofibromatosis, type I; NEUROFIBROMATOSIS, TYPE I, SOMATIC; Peripheral type neurofibromatosis; VON RECKLINGHAUSEN DISEASE. Identifiers: Orphanet 636, MedGen C0027831, MONDO:0018975, OMIM 162200. Disease mechanism: loss of function.

Submission:

Labcorp Genetics (formerly Invitae), Labcorp
Classification: Pathogenic for Neurofibromatosis, type 1. Last evaluated: 2016-08-18. Review status: criteria provided, single submitter. Criteria: Invitae Variant Classification Sherloc (09022015). Collection method: clinical testing. Allele origin: germline.
Comment: This sequence change creates a premature translational stop signal at codon 1329 (p.Ser1329*) of the NF1 gene. It is expected to result in an absent or disrupted protein product. Loss-of-function variants in NF1 are known to be pathogenic. This particular variant has been reported in the literature in an individual affected with neurofibromatosis (PMID: 25074460). For these reasons, this variant has been classified as Pathogenic.

Literature cited by the submitters: PubMed 25074460.